The following is an entry in ClinVar:

ClinVar aggregate classification (germline): Uncertain significance. Review status: criteria provided, multiple submitters, no conflicts (2 of 4 stars). 3 submissions from 3 submitters: Uncertain significance (3). Last evaluated 2025-07-08.

Conditions:
CUL4B-related disorder. Also called: CUL4B-related condition.
X-linked intellectual disability Cabezas type (MRXSC). Also called: MENTAL RETARDATION, X-LINKED, SYNDROMIC 15; Intellectual developmental disorder, X-linked syndromic, Cabezas type; CABEZAS SYNDROME. Identifiers: Orphanet 85289, Orphanet 85293, MedGen C1845861, MONDO:0010306, OMIM 300354.

Allele frequency attached by ClinVar (database versions not stated): gnomAD exomes below 0.00001.
gnomAD v4.1: 3 of 1,208,692 alleles (0.00025%); highest among the groups gnomAD compares: Non-Finnish European, 0.00034%; no homozygotes.

Submissions (3):

PreventionGenetics, part of Exact Sciences
Classification: Uncertain significance for CUL4B-related condition. Last evaluated: 2025-07-08. Review status: criteria provided, single submitter. Criteria: ACMG Guidelines, 2015. Collection method: clinical testing. Allele origin: germline.
Comment: The CUL4B c.1049T>C variant is predicted to result in the amino acid substitution p.Ile350Thr. To our knowledge, this variant has not been reported in the literature or in a large population database (gnomAD), indicating this variant is rare. At this time, the clinical significance of this variant is uncertain due to the absence of conclusive functional and genetic evidence.

Victorian Clinical Genetics Services, Murdoch Childrens Research Institute
Classification: Uncertain significance for X-linked intellectual disability Cabezas type. Last evaluated: 2025-06-12. Review status: criteria provided, single submitter. Criteria: ACMG Guidelines, 2015. Collection method: clinical testing. Allele origin: germline. Affected: yes.
Comment: This variant is classified as VUS-3A. Evidence in support of pathogenic classification: Variant is present in gnomAD <0.01 for a recessive condition (v4: 2 heterozygote(s), 1 hemizygote(s)); Missense variant predicted to be damaging by in silico tool(s) or highly conserved with a major amino acid change. Additional information: Variant is predicted to result in a missense amino acid change from isoleucine to threonine; This variant is hemizygous; This gene is associated with X-linked recessive disease; Alternative amino acid change(s) at the same position are present in gnomAD (Highest allele count: v4: 1 heterozygote(s), 0 homozygote(s), 0 hemizygote(s)); Previous evidence of pathogenicity for this variant is inconclusive. This variant has been classified as a VUS by a clinical laboratory in ClinVar. No published segregation evidence has been identified for this variant; No published functional evidence has been identified for this variant; No comparable missense variants have previous evidence for pathogenicity; Variant is located in the annotated cullin domain (DECIPHER) - Loss of function is a known mechanism of disease in this gene and is associated with Intellectual developmental disorder, X-linked syndromic, Cabezas type (MIM#300354); Inheritance information for this variant is not currently available in this individual.

GeneDx
Classification: Uncertain significance. Last evaluated: 2024-04-11. Review status: criteria provided, single submitter. Criteria: GeneDx Variant Classification Process June 2021. Collection method: clinical testing. Allele origin: germline. Affected: yes.
Comment: Not observed at significant frequency in large population cohorts (gnomAD); In silico analysis supports that this missense variant has a deleterious effect on protein structure/function; Has not been previously published as pathogenic or benign to our knowledge

NM_001079872.2(CUL4B):c.995T>C (p.Ile332Thr)

Gene: CUL4B (cullin 4B; minus strand). Cytogenetic location: Xq24.
Variant type: single nucleotide variant.
Coding change: c.995T>C on transcript NM_001079872.2 (MANE Select); coding-DNA position 995, T replaced by C.
Protein change: p.Ile332Thr; replaces isoleucine 332 with threonine.
Molecular consequence: missense variant.
Genome position (GRCh38, 1-based): chrX:120,544,569, A>G on the plus strand (T>C on the coding strand, the complement: CUL4B is on the minus strand). VCF-style: chrX-120544569-A-G. GRCh37 (hg19) VCF-style: chrX-119678424-A-G.
Other names: c.1010T>C, p.Ile337Thr (NM_001330624.2); c.461T>C, p.Ile154Thr (NM_001369145.1); c.1049T>C, p.Ile350Thr (NM_003588.4); c.995T>C (NM_001079872.1); short protein forms I154T, I337T, I332T, I350T.
Identifiers: ClinVar variation 870383 (VCV000870383.7), dbSNP rs1924204795, ClinGen allele CA414199213.